The following is an entry in ClinVar:

ClinVar aggregate classification (germline): Benign/Likely benign. Review status: criteria provided, multiple submitters, no conflicts (2 of 4 stars). 2 submissions from 2 submitters: Benign (1); Likely benign (1). Last evaluated 2026-01-22.

Conditions:
Hereditary cancer-predisposing syndrome. Also called: Neoplastic Syndromes, Hereditary; Tumor predisposition; Hereditary neoplastic syndrome; Hereditary Cancer Syndrome. Identifiers: Orphanet 140162, MedGen C0027672, MeSH D009386, MONDO:0015356.
Tuberous sclerosis 2 (TSC2). Identifiers: Orphanet 805, MedGen C1860707, MONDO:0013199, OMIM 613254.

Submissions (2):

Ambry Genetics
Classification: Likely benign for Hereditary cancer-predisposing syndrome. Last evaluated: 2026-01-22. Review status: criteria provided, single submitter. Criteria: Ambry Variant Classification Scheme 2023. Collection method: clinical testing. Allele origin: germline.

Myriad Genetics, Inc.
Classification: Benign for Tuberous sclerosis 2. Last evaluated: 2025-06-09. Review status: criteria provided, single submitter. Criteria: Myriad Autosomal Dominant, Autosomal Recessive and X-Linked Classification Criteria (2023). Collection method: clinical testing. Allele origin: unknown.
Comment: This variant is considered benign. This variant is a silent/synonymous amino acid change and it is not expected to impact splicing.

NM_000548.5(TSC2):c.5334A>C (p.Ala1778=)

Gene: TSC2 (TSC complex subunit 2; plus strand). Cytogenetic location: 16p13.3.
Variant type: single nucleotide variant.
Coding change: c.5334A>C on transcript NM_000548.5 (MANE Select); coding-DNA position 5334, A replaced by C.
Protein change: p.Ala1778=; no amino-acid change (alanine 1778 retained).
Molecular consequence: synonymous variant. On other transcripts: non-coding transcript variant (5).
Genome position (GRCh38, 1-based): chr16:2,088,520, A>C. VCF-style: chr16-2088520-A-C. GRCh37 (hg19) VCF-style: chr16-2138521-A-C.
Other names: c.5262A>C, p.Ala1754= (NM_001406664.1); c.5256A>C, p.Ala1752= (NM_001406665.1); c.5226A>C, p.Ala1742= (NM_001406667.1); c.5223A>C, p.Ala1741= (NM_001406668.1); c.5154A>C, p.Ala1718= (NM_001406670.1); c.5124A>C, p.Ala1708= (NM_001406671.1); c.5121A>C, p.Ala1707= (NM_001406673.1); c.5118A>C, p.Ala1706= (NM_001406675.1); and 27 more.
Identifiers: ClinVar variation 4071166 (VCV004071166.2).
Genomic context (GRCh38, chr16:2,088,520, plus strand): 5'-CGCCTACTCCAACCCCAGCCTACCTCTGGTGCACCCTCCGTCCCATAGCAAAGCCCCTGC[A>C]CAGACTCCAGCCGAGCCCACACCTGGCTATGAGGTGGGCCAGCGGAAGCGCCTCATCTCC-3'
Protein context (NP_000539.2, residues 1768-1788): VHPPSHSKAP[Ala1778=]QTPAEPTPGY